The following is an entry in ClinVar:

ClinVar aggregate classification (germline): Conflicting classifications of pathogenicity. Review status: criteria provided, conflicting classifications (1 of 4 stars). 3 submissions from 3 submitters: Uncertain significance (1); Benign (1); Likely benign (1). Last evaluated 2025-07-23.

Conditions:
Hereditary cancer-predisposing syndrome. Also called: Neoplastic Syndromes, Hereditary; Tumor predisposition; Hereditary Cancer Syndrome; Hereditary neoplastic syndrome. Identifiers: Orphanet 140162, MedGen C0027672, MeSH D009386, MONDO:0015356.
DICER1-related tumor predisposition. Also called: DICER1-related pleuropulmonary blastoma cancer predisposition syndrome; DICER1 syndrome. Identifiers: Orphanet 284343, MedGen C3839822, MONDO:0100216.
Ovarian cancer. Also called: OVARIAN CANCER, SOMATIC. Identifiers: Orphanet 213500, MedGen C1140680, MONDO:0008170, OMIM 167000.

Allele frequency attached by ClinVar (database versions not stated): gnomAD exomes below 0.00001.
gnomAD v4.1: 2 of 1,614,086 alleles (0.00012%); no homozygotes.

Submissions (3):

Ambry Genetics
Classification: Likely benign for Hereditary cancer-predisposing syndrome. Last evaluated: 2025-07-23. Review status: criteria provided, single submitter. Criteria: Ambry Variant Classification Scheme 2023. Collection method: clinical testing. Allele origin: germline.

Labcorp Genetics (formerly Invitae), Labcorp
Classification: Uncertain significance for DICER1-related tumor predisposition. Last evaluated: 2024-09-05. Review status: criteria provided, single submitter. Criteria: Invitae Variant Classification Sherloc (09022015). Collection method: clinical testing. Allele origin: germline.
Comment: This sequence change replaces threonine, which is neutral and polar, with alanine, which is neutral and non-polar, at codon 870 of the DICER1 protein (p.Thr870Ala). This variant is not present in population databases (gnomAD no frequency). This variant has not been reported in the literature in individuals affected with DICER1-related conditions. ClinVar contains an entry for this variant (Variation ID: 566903). Invitae Evidence Modeling of protein sequence and biophysical properties (such as structural, functional, and spatial information, amino acid conservation, physicochemical variation, residue mobility, and thermodynamic stability) indicates that this missense variant is not expected to disrupt DICER1 protein function with a negative predictive value of 80%. In summary, the available evidence is currently insufficient to determine the role of this variant in disease. Therefore, it has been classified as a Variant of Uncertain Significance.

Laboratory of Molecular Epidemiology of Birth Defects, West China Second University Hospital, Sichuan University
Classification: Benign for Ovarian cancer. Last evaluated: 2022-01-01. Review status: criteria provided, single submitter. Criteria: ACMG Guidelines, 2015. Collection method: clinical testing. Allele origin: germline. Affected: yes.

NM_177438.3(DICER1):c.2608A>G (p.Thr870Ala)

Gene: DICER1 (dicer 1, ribonuclease III; minus strand). Cytogenetic location: 14q32.13.
Variant type: single nucleotide variant.
Coding change: c.2608A>G on transcript NM_177438.3 (MANE Select); coding-DNA position 2608, A replaced by G.
Protein change: p.Thr870Ala; replaces threonine 870 with alanine.
Molecular consequence: missense variant.
Genome position (GRCh38, 1-based): chr14:95,107,922, T>C on the plus strand (A>G on the coding strand, the complement: DICER1 is on the minus strand). VCF-style: chr14-95107922-T-C. GRCh37 (hg19) VCF-style: chr14-95574259-T-C.
Other names: c.2608A>G, p.Thr870Ala (NM_030621.4, NM_001271282.3, NM_001291628.2 and 1 more transcripts); short protein forms T870A.
Identifiers: ClinVar variation 566903 (VCV000566903.15), dbSNP rs1566776633, ClinGen allele CA390881379.